The following is an entry in ClinVar:

NC_000017.10:g.(?_48271690)_(48277328_?)dup

Gene: COL1A1 (collagen type I alpha 1 chain; minus strand). Cytogenetic location: 17q21.33.
Variant type: Duplication.
Identifiers: ClinVar variation 1490376 (VCV001490376.4).

ClinVar aggregate classification (germline): Likely pathogenic (1 of 4 stars; one submission).

Conditions:
Osteogenesis imperfecta type I (OI1). Also called: Lobstein disease; Lobstein's Disease; OI, TYPE I; OSTEOGENESIS IMPERFECTA TARDA; OSTEOGENESIS IMPERFECTA WITH BLUE SCLERAE; Osteogenesis imperfecta type 1. Identifiers: Orphanet 216796, Orphanet 666, MedGen C0023931, MONDO:0008146, OMIM 166200. Disease mechanism: loss of function.

Submission:

Labcorp Genetics (formerly Invitae), Labcorp
Classification: Likely pathogenic for Osteogenesis imperfecta type I. Last evaluated: 2021-11-18. Review status: criteria provided, single submitter. Criteria: Invitae Variant Classification Sherloc (09022015). Collection method: clinical testing. Allele origin: germline.
Comment: In summary, the currently available evidence indicates that the variant is pathogenic, but additional data are needed to prove that conclusively. Therefore, this variant has been classified as Likely Pathogenic. This variant has not been reported in the literature in individuals affected with COL1A1-related conditions. This variant results in a copy number gain of the genomic region encompassing exon(s) 2-23 of the COL1A1 gene. While the exact position of this variant cannot be determined from the data, sub-genic copy number gains are generally in tandem (PMID: 25640679). This variant is predicted to be out-of-frame, and may result in an absent or disrupted protein product. Loss-of-function variants in COL1A1 are known to be pathogenic (PMID: 7942841, 9295084, 9443882).

Literature cited by the submitters: PubMed 25640679; PubMed 7942841; PubMed 9295084; PubMed 9443882.